The following is an entry in ClinVar:

NM_024589.3(ROGDI):c.823-10C>T

Gene: ROGDI (rogdi atypical leucine zipper; minus strand). Cytogenetic location: 16p13.3.
Variant type: single nucleotide variant.
Coding change: c.823-10C>T on transcript NM_024589.3 (MANE Select); 10 bases into the intron before coding-DNA position 823, C replaced by T.
Molecular consequence: intron variant.
Genome position (GRCh38, 1-based): chr16:4,797,511, G>A on the plus strand (C>T on the coding strand, the complement: ROGDI is on the minus strand). VCF-style: chr16-4797511-G-A. GRCh37 (hg19) VCF-style: chr16-4847512-G-A.
Identifiers: ClinVar variation 416247 (VCV000416247.15), dbSNP rs199642172, ClinGen allele CA7882427.

ClinVar aggregate classification (germline): Benign/Likely benign. Review status: criteria provided, multiple submitters, no conflicts (2 of 4 stars). 2 submissions from 2 submitters: Benign (1); Likely benign (1). Last evaluated 2026-01-12.

Conditions:
Amelocerebrohypohidrotic syndrome (KTZS). Also called: EPILEPSY AND YELLOW TEETH; EPILEPSY, DEMENTIA, AND AMELOGENESIS IMPERFECTA; KOHLSCHUTTER SYNDROME; Kohlschutter's syndrome. Identifiers: Orphanet 1946, MedGen C0406740, MONDO:0009185, OMIM 226750.

Allele frequency attached by ClinVar (database versions not stated): gnomAD 0.00007 and 0.00012; TOPMed 0.00020; gnomAD exomes 0.00026; ExAC 0.00029; 1000 Genomes Project 30x 0.00078; 1000 Genomes Project 0.00080.
gnomAD v4.1: 104 of 1,532,952 alleles (0.0068%); highest among the groups gnomAD compares: East Asian, 0.25%; 1 homozygote.

Submissions (2):

Labcorp Genetics (formerly Invitae), Labcorp
Classification: Benign for Amelocerebrohypohidrotic syndrome. Last evaluated: 2026-01-12. Review status: criteria provided, single submitter. Criteria: Invitae Variant Classification Sherloc (09022015). Collection method: clinical testing. Allele origin: germline.

Illumina Laboratory Services, Illumina
Classification: Likely benign for Kohlschutter syndrome. Last evaluated: 2018-01-12. Review status: criteria provided, single submitter. Criteria: ICSL Variant Classification Criteria 13 December 2019. Collection method: clinical testing. Allele origin: germline.
Comment: This variant was observed in the ICSL laboratory as part of a predisposition screen in an ostensibly healthy population. It had not been previously curated by ICSL or reported in the Human Gene Mutation Database (HGMD: prior to June 1st, 2018), and was therefore a candidate for classification through an automated scoring system. Utilizing variant allele frequency, disease prevalence and penetrance estimates, and inheritance mode, an automated score was calculated to assess if this variant is too frequent to cause the disease. Based on the score and internal cut-off values, a variant classified as likely benign is not then subjected to further curation. The score for this variant resulted in a classification of likely benign for this disease.